The following is an entry in ClinVar:

NM_020198.3(CCDC47):c.1359G>A (p.Gln453=)

Gene: CCDC47 (coiled-coil domain containing 47; minus strand). Cytogenetic location: 17q23.3.
Variant type: single nucleotide variant.
Coding change: c.1359G>A on transcript NM_020198.3 (MANE Select); coding-DNA position 1359, G replaced by A.
Protein change: p.Gln453=; no amino-acid change (glutamine 453 retained).
Molecular consequence: synonymous variant.
Genome position (GRCh38, 1-based): chr17:63,751,952, C>T on the plus strand (G>A on the coding strand, the complement: CCDC47 is on the minus strand). VCF-style: chr17-63751952-C-T. GRCh37 (hg19) VCF-style: chr17-61829312-C-T.
Identifiers: ClinVar variation 3042167 (VCV003042167.2), dbSNP rs34332702, ClinGen allele CA8703632.

ClinVar aggregate classification (germline): Benign (0 of 4 stars; one submission).

Conditions:
CCDC47-related disorder. Also called: CCDC47-related condition.

Allele frequency attached by ClinVar (database versions not stated): gnomAD exomes 0.00327; ExAC 0.01092; 1000 Genomes Project 0.03095; gnomAD 0.03354; 1000 Genomes Project 30x 0.03467; TOPMed 0.03889; ESP Exome Variant Server 0.03944.
gnomAD v4.1: 10,045 of 1,613,718 alleles (0.62%); highest among the groups gnomAD compares: African/African-American, 12%; 531 homozygotes.

Submission:

PreventionGenetics, part of Exact Sciences
Classification: Benign for CCDC47-related condition. Last evaluated: 2020-02-26. Review status: no assertion criteria provided. Collection method: clinical testing. Allele origin: germline.
Comment: This variant is classified as benign based on ACMG/AMP sequence variant interpretation guidelines (Richards et al. 2015 PMID: 25741868, with internal and published modifications).